The following is an entry in ClinVar:

ClinVar aggregate classification (germline): Pathogenic. Review status: criteria provided, single submitter (1 of 4 stars). 2 submissions from 2 submitters: Pathogenic (1). 1 of the submissions does not count toward it. Last evaluated 2025-02-06.

Conditions:
Oculodentodigital dysplasia, autosomal recessive. Also called: OCULODENTOOSSEOUS DYSPLASIA, AUTOSOMAL RECESSIVE; ODDD, AUTOSOMAL RECESSIVE; ODOD, AUTOSOMAL RECESSIVE. Identifiers: Orphanet 2710, MedGen C2749477, MONDO:0009768, OMIM 257850.
Oculodentodigital dysplasia (ODDD). Also called: ODD SYNDROME; Oculodentodigital syndrome. Identifiers: Orphanet 2710, MedGen C0812437, MONDO:0008111, OMIM 164200.

Submissions (2):

Labcorp Genetics (formerly Invitae), Labcorp
Classification: Pathogenic for Oculodentodigital dysplasia, autosomal recessive. Last evaluated: 2025-02-06. Review status: criteria provided, single submitter. Criteria: Invitae Variant Classification Sherloc (09022015). Collection method: clinical testing. Allele origin: germline.
Comment: This sequence change replaces glycine, which is neutral and non-polar, with arginine, which is basic and polar, at codon 21 of the GJA1 protein (p.Gly21Arg). This variant is not present in population databases (gnomAD no frequency). This missense change has been observed in individual(s) with autosomal dominant oculodentodigital dysplasia (PMID: 12457340; internal data). In at least one individual the variant was observed to be de novo. ClinVar contains an entry for this variant (Variation ID: 16984). Invitae Evidence Modeling of protein sequence and biophysical properties (such as structural, functional, and spatial information, amino acid conservation, physicochemical variation, residue mobility, and thermodynamic stability) indicates that this missense variant is expected to disrupt GJA1 protein function with a positive predictive value of 95%. Experimental studies have shown that this missense change affects GJA1 function (PMID: 15644317, 15879313). For these reasons, this variant has been classified as Pathogenic.

OMIM
Classification: Pathogenic for OCULODENTODIGITAL DYSPLASIA. Last evaluated: 2003-02-01. Review status: no assertion criteria provided. Collection method: literature only. Allele origin: germline. Not counted in ClinVar's aggregate classification.

Literature cited by the submitters: PubMed 12457340 (cited by Labcorp Genetics (formerly Invitae), Labcorp and OMIM); PubMed 15644317 (cited by Labcorp Genetics (formerly Invitae), Labcorp); PubMed 15879313 (cited by Labcorp Genetics (formerly Invitae), Labcorp).

NM_000165.5(GJA1):c.61G>A (p.Gly21Arg)

Gene: GJA1 (gap junction protein alpha 1; plus strand). Cytogenetic location: 6q22.31.
Variant type: single nucleotide variant.
Coding change: c.61G>A on transcript NM_000165.5 (MANE Select); coding-DNA position 61, G replaced by A.
Protein change: p.Gly21Arg; replaces glycine 21 with arginine.
Molecular consequence: missense variant.
Genome position (GRCh38, 1-based): chr6:121,446,908, G>A. VCF-style: chr6-121446908-G-A. GRCh37 (hg19) VCF-style: chr6-121768054-G-A.
Other names: short protein forms G21R.
Identifiers: ClinVar variation 16984 (VCV000016984.2), dbSNP rs104893963, ClinGen allele CA127012.